The following is an entry in ClinVar:

ClinVar aggregate classification (germline): Pathogenic/Likely pathogenic. Review status: criteria provided, multiple submitters, no conflicts (2 of 4 stars). 8 submissions from 8 submitters: Pathogenic (4); Likely pathogenic (1). 3 of the submissions do not count toward it. Last evaluated 2024-02-01.

Conditions:
DEAF1-related disorder.
Intellectual disability, autosomal dominant 24 (VSVS). Also called: VULTO-VAN SILFHOUT-DE VRIES SYNDROME. Identifiers: MedGen C4014414, MONDO:0014357, OMIM 615828.

Submissions (8):

CeGaT Center for Human Genetics Tuebingen
Classification: Pathogenic. Last evaluated: 2024-02-01. Review status: criteria provided, single submitter. Criteria: CeGaT Center For Human Genetics Tuebingen Variant Classification Criteria Version 2. Collection method: clinical testing. Allele origin: germline. Affected: yes. Observed: 2 variant alleles.
Comment: DEAF1: PS2:Very Strong, PM1, PM2, PS3:Supporting

Institute of Human Genetics, University of Leipzig Medical Center
Classification: Likely pathogenic for Intellectual disability, autosomal dominant 24. Last evaluated: 2023-12-03. Review status: criteria provided, single submitter. Criteria: ACMG Guidelines, 2015. Collection method: clinical testing. Allele origin: unknown. Inheritance: Autosomal dominant inheritance. Affected: yes.
Comment: Criteria applied: PS2_MOD,PS4_MOD,PS3_SUP,PM2_SUP, PP3; 5x path in ClinVar but 6x in gnomad4.0

Labcorp Genetics (formerly Invitae), Labcorp
Classification: Pathogenic. Last evaluated: 2023-06-05. Review status: criteria provided, single submitter. Criteria: Invitae Variant Classification Sherloc (09022015). Collection method: clinical testing. Allele origin: germline.
Comment: For these reasons, this variant has been classified as Pathogenic. This variant disrupts the p.Arg224 amino acid residue in DEAF1. Other variant(s) that disrupt this residue have been determined to be pathogenic (PMID: 24726472, 32959227, 33705764). This suggests that this residue is clinically significant, and that variants that disrupt this residue are likely to be disease-causing. Experimental studies have shown that this missense change affects DEAF1 function (PMID: 24726472). Advanced modeling of protein sequence and biophysical properties (such as structural, functional, and spatial information, amino acid conservation, physicochemical variation, residue mobility, and thermodynamic stability) has been performed at Invitae for this missense variant, however the output from this modeling did not meet the statistical confidence thresholds required to predict the impact of this variant on DEAF1 protein function. ClinVar contains an entry for this variant (Variation ID: 133293). This missense change has been observed in individual(s) with autosomal dominant DEAF1-related conditions (PMID: 33705764). In at least one individual the variant was observed to be de novo. This variant is not present in population databases (gnomAD no frequency). This sequence change replaces arginine, which is basic and polar, with tryptophan, which is neutral and slightly polar, at codon 224 of the DEAF1 protein (p.Arg224Trp).

GeneDx
Classification: Pathogenic. Last evaluated: 2022-01-05. Review status: criteria provided, single submitter. Criteria: GeneDx Variant Classification Process June 2021. Collection method: clinical testing. Allele origin: germline. Affected: yes.
Comment: Published functional studies demonstrate a damaging effect on transcriptional regulation (Vulto-van Silfhout et al., 2014); Not observed at significant frequency in large population cohorts (gnomAD); In silico analysis supports that this missense variant has a deleterious effect on protein structure/function; This variant is associated with the following publications: (PMID: 28940898, 24726472, 33705764)

Blueprint Genetics
Classification: Pathogenic for DEAF1-related disorders. Last evaluated: 2020-07-16. Review status: criteria provided, single submitter. Criteria: ACMG Guidelines, 2015. Collection method: clinical testing. Allele origin: de novo. Affected: yes. Observed: 2 variant alleles.

OMIM
Classification: Pathogenic for VULTO-VAN SILFHOUT-DE VRIES SYNDROME. Last evaluated: 2014-05-01. Review status: no assertion criteria provided. Collection method: literature only. Allele origin: germline. Not counted in ClinVar's aggregate classification.

Genome Diagnostics Laboratory, University Medical Center Utrecht
Classification: Pathogenic. Review status: no assertion criteria provided. Collection method: clinical testing. Allele origin: germline. Affected: yes. Study: VKGL Data-share Consensus. Not counted in ClinVar's aggregate classification.

Joint Genome Diagnostic Labs from Nijmegen and Maastricht, Radboudumc and MUMC+
Classification: Pathogenic. Review status: no assertion criteria provided. Collection method: clinical testing. Allele origin: germline. Affected: yes. Study: VKGL Data-share Consensus. Not counted in ClinVar's aggregate classification.

Literature cited by the submitters: PubMed 24726472 (cited by Labcorp Genetics (formerly Invitae), Labcorp and OMIM); PubMed 32959227 (cited by Labcorp Genetics (formerly Invitae), Labcorp); PubMed 33705764 (cited by Labcorp Genetics (formerly Invitae), Labcorp).

NM_021008.4(DEAF1):c.670C>T (p.Arg224Trp)

Gene: DEAF1 (DEAF1 transcription factor; minus strand). Cytogenetic location: 11p15.5.
Variant type: single nucleotide variant.
Coding change: c.670C>T on transcript NM_021008.4 (MANE Select); coding-DNA position 670, C replaced by T.
Protein change: p.Arg224Trp; replaces arginine 224 with tryptophan.
Molecular consequence: missense variant. On other transcripts: 5 prime UTR variant (4), intron variant (1).
Genome position (GRCh38, 1-based): chr11:686,992, G>A on the plus strand (C>T on the coding strand, the complement: DEAF1 is on the minus strand). VCF-style: chr11-686992-G-A. GRCh37 (hg19) VCF-style: chr11-686992-G-A.
Other names: c.-57C>T (NM_001367390.1, NM_001440885.1, NM_001440886.1 and 1 more transcripts); c.670C>T, p.Arg224Trp (NM_001440883.1, NM_001440884.1); c.664+919C>T (NM_001293634.2); short protein forms R224W.
Identifiers: ClinVar variation 133293 (VCV000133293.50), dbSNP rs587777408, ClinGen allele CA156399.
Genomic context (GRCh38, chr11:686,992, plus strand): 5'-CCATGGCCTCAAACTCGGTGGGACTGTACCAGTTCTCCCCCTGCTTGATGCACCGTCCCC[G>A]GCCGCCTGCAAGGAAGGGCAGCAGTCATGATGATGGCAGGTGGGAACGTCACCTCTGCCA-3'
Protein context (NP_066288.2, residues 214-234): LYKNRLGSGG[Arg224Trp]GRCIKQGENW